The following is an entry in ClinVar:

NM_001042492.3(NF1):c.239A>G (p.Tyr80Cys)

Gene: NF1 (neurofibromin 1; plus strand). Cytogenetic location: 17q11.2.
Variant type: single nucleotide variant.
Coding change: c.239A>G on transcript NM_001042492.3 (MANE Select); coding-DNA position 239, A replaced by G.
Protein change: p.Tyr80Cys; replaces tyrosine 80 with cysteine.
Molecular consequence: missense variant.
Genome position (GRCh38, 1-based): chr17:31,159,044, A>G. VCF-style: chr17-31159044-A-G. GRCh37 (hg19) VCF-style: chr17-29486062-A-G.
Other names: c.239A>G, p.Tyr80Cys (NM_000267.4, NM_001128147.3); short protein forms Y80C.
Identifiers: ClinVar variation 186333 (VCV000186333.11), dbSNP rs4795581, ClinGen allele CA194515.

ClinVar aggregate classification (germline): Conflicting classifications of pathogenicity. Review status: criteria provided, conflicting classifications (1 of 4 stars). 4 submissions from 3 submitters: Uncertain significance (3); Likely benign (1). Last evaluated 2025-05-05.

Conditions:
Hereditary cancer-predisposing syndrome. Also called: Hereditary Cancer Syndrome; Neoplastic Syndromes, Hereditary; Tumor predisposition; Hereditary neoplastic syndrome. Identifiers: Orphanet 140162, MedGen C0027672, MeSH D009386, MONDO:0015356.
Cardiovascular phenotype. Identifiers: MedGen CN230736.
Neurofibromatosis, type 1 (NF1). Also called: NEUROFIBROMATOSIS, TYPE I, SOMATIC; VON RECKLINGHAUSEN DISEASE; Peripheral type neurofibromatosis; Neurofibromatosis, type I. Identifiers: Orphanet 636, MedGen C0027831, MONDO:0018975, OMIM 162200. Disease mechanism: loss of function.

Allele frequency attached by ClinVar (database versions not stated): TOPMed 0.00002.
gnomAD v4.1: 3 of 1,609,122 alleles (0.00019%); highest among the groups gnomAD compares: Non-Finnish European, 0.00017%; no homozygotes.

Submissions (4):

Labcorp Genetics (formerly Invitae), Labcorp
Classification: Likely benign for Neurofibromatosis, type 1. Last evaluated: 2025-05-05. Review status: criteria provided, single submitter. Criteria: Invitae Variant Classification Sherloc (09022015). Collection method: clinical testing. Allele origin: germline.

Ambry Genetics
Classification: Uncertain significance for Cardiovascular phenotype; Hereditary cancer-predisposing syndrome. Last evaluated: 2022-03-15. Review status: criteria provided, single submitter. Criteria: Ambry Variant Classification Scheme 2023. Collection method: clinical testing. Allele origin: germline.

Genome-Nilou Lab
Classification: Uncertain significance for Neurofibromatosis, type 1. Last evaluated: 2022-03-15. Review status: criteria provided, single submitter. Criteria: ACMG Guidelines, 2015. Collection method: clinical testing. Allele origin: germline. Affected: no.

Ambry Genetics
Classification: Uncertain significance for Hereditary cancer-predisposing syndrome. Last evaluated: 2015-09-16. Review status: criteria provided, single submitter. Criteria: Ambry Autosomal Dominant and X-Linked criteria (10/2015). Collection method: clinical testing. Allele origin: germline. Observed: 1 variant allele.
Comment: Thep.Y80Cvariant (also known as c.239A>G), located in codingexon3 of theNF1gene, results from an A to G substitution at nucleotide position 239. The tyrosine atcodon80 is replaced bycysteine, an amino acid with highly dissimilar properties. This variant was not reported in population based cohorts in the following databases: Database of Single Nucleotide Polymorphisms (dbSNP), NHLBIExomeSequencing Project (ESP), and 1000 Genomes Project. In the ESP, this variant was not observed in 6501 samples (13002 alleles) with coverage at this position.To date, this alteration has been detected with an allele frequency of approximately 0.004% (greater than 55000 alleles tested) in our clinical cohort. This amino acid position is highly conserved in available vertebrate species. In addition, the in silico prediction for this alteration is inconclusive. Since supporting evidence is limited at this time, the clinical significance of p.Y80C remains unclear.